The following is an entry in ClinVar:

ClinVar aggregate classification (germline): Uncertain significance (1 of 4 stars; one submission).

Submission:

CeGaT Center for Human Genetics Tuebingen
Classification: Uncertain significance. Last evaluated: 2025-07-01. Review status: criteria provided, single submitter. Criteria: CeGaT Center For Human Genetics Tuebingen Variant Classification Criteria Version 2. Collection method: clinical testing. Allele origin: germline. Affected: yes. Observed: 1 variant allele.
Comment: PHKG1: PM2

NM_006213.5(PHKG1):c.339dup (p.Asp114Ter)

Genes: PHKG1 (phosphorylase kinase catalytic subunit gamma 1; minus strand), SUMF2 (sulfatase modifying factor 2; plus strand). Cytogenetic location: 7p11.2.
Variant type: Duplication.
Coding change: c.339dup on transcript NM_006213.5 (MANE Select); coding-DNA position 339, one base duplicated (T; older notation c.339dupT).
Protein change: p.Asp114Ter; replaces aspartic acid 114 with a stop codon.
Molecular consequence: nonsense. On other transcripts: non-coding transcript variant (1).
Genome position (GRCh38, 1-based): chr7:56,083,694, A duplicated on the plus strand (T on the coding strand, the reverse complement: PHKG1 is on the minus strand); the first of 3 consecutive A bases (chr7:56,083,694-56,083,696); duplicating any one gives the same sequence. VCF-style (leftmost placement, unchanged base first): chr7-56083693-C-CA. GRCh37 (hg19) VCF-style: chr7-56151386-C-CA.
Other names: c.435dup, p.Asp146Ter (NM_001258459.2); c.312dup, p.Asp105Ter (NM_001258460.2); short protein forms D105*, D114*, D146*.
Identifiers: ClinVar variation 4085081 (VCV004085081.8).